The following is an entry in ClinVar:

NM_003483.6(HMGA2):c.250-36267A>G

Gene: HMGA2 (high mobility group AT-hook 2; plus strand). Cytogenetic location: 12q14.3.
Variant type: single nucleotide variant.
Coding change: c.250-36267A>G on transcript NM_003483.6 (MANE Select); 36267 bases into the intron before coding-DNA position 250, A replaced by G.
Molecular consequence: intron variant. On other transcripts: 3 prime UTR variant (1), missense variant (1).
Genome position (GRCh38, 1-based): chr12:65,915,116, A>G. VCF-style: chr12-65915116-A-G. GRCh37 (hg19) VCF-style: chr12-66308896-A-G.
Other names: c.*202A>G (NM_001300919.1); c.307A>G, p.Lys103Glu (NM_003484.1); c.250-36267A>G (NM_001300918.1); short protein forms K103E.
Identifiers: ClinVar variation 3044402 (VCV003044402.16), dbSNP rs77970919, ClinGen allele CA6671884.

ClinVar aggregate classification (germline): Benign. Review status: criteria provided, single submitter (1 of 4 stars). 2 submissions from 2 submitters: Benign (1). 1 of the submissions does not count toward it. Last evaluated 2026-02-01.

Conditions:
HMGA2-related disorder. Also called: HMGA2-related condition.

Allele frequency attached by ClinVar (database versions not stated): 1000 Genomes Project 0.00120; 1000 Genomes Project 30x 0.00125; TOPMed 0.00203; ESP Exome Variant Server 0.00261; ExAC 0.00275; gnomAD 0.00276; gnomAD exomes 0.00348.
gnomAD v4.1: 5,438 of 1,613,748 alleles (0.34%); highest among the groups gnomAD compares: Non-Finnish European, 0.38%; 10 homozygotes.

Submissions (2):

CeGaT Center for Human Genetics Tuebingen
Classification: Benign. Last evaluated: 2026-02-01. Review status: criteria provided, single submitter. Criteria: CeGaT Center For Human Genetics Tuebingen Variant Classification Criteria Version 2. Collection method: clinical testing. Allele origin: germline. Affected: yes. Observed: 4 variant alleles.
Comment: HMGA2: PP2, BP4, BS1, BS2

PreventionGenetics, part of Exact Sciences
Classification: Benign for HMGA2-related condition. Last evaluated: 2019-05-23. Review status: no assertion criteria provided. Collection method: clinical testing. Allele origin: germline. Not counted in ClinVar's aggregate classification.
Comment: This variant is classified as benign based on ACMG/AMP sequence variant interpretation guidelines (Richards et al. 2015 PMID: 25741868, with internal and published modifications).